The following is an entry in ClinVar:

ClinVar aggregate classification (germline): Likely benign. Review status: criteria provided, multiple submitters, no conflicts (2 of 4 stars). 2 submissions from 2 submitters: Likely benign (2). Last evaluated 2022-12-01.

Conditions:
Autosomal dominant nonsyndromic hearing loss 65. Also called: Deafness, autosomal dominant 65; TBC1D24-Related Autosomal Dominant Nonsyndromic Hearing Loss (DFNA). Identifiers: Orphanet 90635, MedGen C3892048, MONDO:0014470, OMIM 616044.
Developmental and epileptic encephalopathy, 1 (DEE1). Also called: Epileptic encephalopathy, early infantile, 1; INFANTILE SPASM SYNDROME, X-LINKED 1; X-linked infantile spasms; West's syndrome; Tonic spasms with clustering, arrest of psychomotor development and hypsarrhythmia on EEG; X-Linked Infantile Spasm Syndrome. Identifiers: MedGen C3463992, MONDO:0010632, OMIM 308350. Disease mechanism: loss of function.

Allele frequency attached by ClinVar (database versions not stated): TOPMed below 0.00001; gnomAD exomes 0.00001.
gnomAD v4.1: 11 of 1,608,958 alleles (0.00068%); highest among the groups gnomAD compares: South Asian, 0.0055%; no homozygotes.

Submissions (2):

CeGaT Center for Human Genetics Tuebingen
Classification: Likely benign. Last evaluated: 2022-12-01. Review status: criteria provided, single submitter. Criteria: CeGaT Center For Human Genetics Tuebingen Variant Classification Criteria Version 2. Collection method: clinical testing. Allele origin: germline. Affected: yes. Observed: 1 variant allele.
Comment: TBC1D24: BP4

Labcorp Genetics (formerly Invitae), Labcorp
Classification: Likely benign for Developmental and epileptic encephalopathy, 1; Autosomal dominant nonsyndromic hearing loss 65. Last evaluated: 2021-07-06. Review status: criteria provided, single submitter. Criteria: Invitae Variant Classification Sherloc (09022015). Collection method: clinical testing. Allele origin: germline.

NM_001199107.2(TBC1D24):c.420G>A (p.Leu140=)

Gene: TBC1D24 (TBC1 domain family member 24; plus strand). Cytogenetic location: 16p13.3.
Variant type: single nucleotide variant.
Coding change: c.420G>A on transcript NM_001199107.2 (MANE Select); coding-DNA position 420, G replaced by A.
Protein change: p.Leu140=; no amino-acid change (leucine 140 retained).
Molecular consequence: synonymous variant.
Genome position (GRCh38, 1-based): chr16:2,496,568, G>A. VCF-style: chr16-2496568-G-A. GRCh37 (hg19) VCF-style: chr16-2546569-G-A.
Other names: c.420G>A, p.Leu140= (NM_020705.3).
Identifiers: ClinVar variation 1591736 (VCV001591736.32), dbSNP rs1400165650, ClinGen allele CA493366674.